The following is an entry in ClinVar:

ClinVar aggregate classification (germline): Uncertain significance (1 of 4 stars; one submission).

Conditions:
PTPN11-related disorder. Also called: PTPN11-Related Disorders.

Submission:

PreventionGenetics, part of Exact Sciences
Classification: Uncertain significance for PTPN11-related condition. Last evaluated: 2026-06-27. Review status: criteria provided, single submitter. Criteria: ACMG Guidelines, 2015. Collection method: clinical testing. Allele origin: germline.
Comment: The PTPN11 c.1489G>T variant is predicted to result in the amino acid substitution p.Val497Leu. To our knowledge, this variant has not been reported in the literature or in a large population database (gnomAD), indicating this variant is rare. At this time, the clinical significance of this variant is uncertain due to the absence of conclusive functional and genetic evidence.

NM_002834.5(PTPN11):c.1489G>T (p.Val497Leu)

Gene: PTPN11 (protein tyrosine phosphatase non-receptor type 11; plus strand). Cytogenetic location: 12q24.13.
Variant type: single nucleotide variant.
Coding change: c.1489G>T on transcript NM_002834.5 (MANE Select); coding-DNA position 1489, G replaced by T.
Protein change: p.Val497Leu; replaces valine 497 with leucine.
Molecular consequence: missense variant.
Genome position (GRCh38, 1-based): chr12:112,489,065, G>T. VCF-style: chr12-112489065-G-T. GRCh37 (hg19) VCF-style: chr12-112926869-G-T.
Other names: c.1501G>T, p.Val501Leu (NM_001330437.2); c.1486G>T, p.Val496Leu (NM_001374625.1); short protein forms V496L, V497L, V501L.
Identifiers: ClinVar variation 4992286 (VCV004992286.1).
Genomic context (GRCh38, chr12:112,489,065, plus strand): 5'-CATGATGTTTCCTTCGTAGGTGTTGACTGCGATATTGACGTTCCCAAAACCATCCAGATG[G>T]TGCGGTCTCAGAGGTCAGGGATGGTCCAGACAGAAGCACAGTACCGATTTATCTATATGG-3'
Protein context (NP_002825.3, residues 487-507): DIDVPKTIQM[Val497Leu]RSQRSGMVQT